The following is an entry in ClinVar:

ClinVar aggregate classification (germline): Conflicting classifications of pathogenicity. Review status: criteria provided, conflicting classifications (1 of 4 stars). 6 submissions from 6 submitters: Uncertain significance (2); Likely benign (3). 1 of the submissions does not count toward it. Last evaluated 2026-01-17.

Conditions:
FLNB-Related Spectrum Disorders.
FLNB-related disorder. Also called: FLNB-related condition; FLNB-related disorders. Identifiers: MedGen CN381095.

Allele frequency attached by ClinVar (database versions not stated): gnomAD 0.00004 and 0.00007; TOPMed 0.00008; gnomAD exomes 0.00011 and 0.00027; 1000 Genomes Project 30x 0.00016; ExAC 0.00026.
gnomAD v4.1: 196 of 1,614,176 alleles (0.012%); highest among the groups gnomAD compares: South Asian, 0.13%; no homozygotes.

Submissions (6):

Labcorp Genetics (formerly Invitae), Labcorp
Classification: Likely benign. Last evaluated: 2026-01-17. Review status: criteria provided, single submitter. Criteria: Invitae Variant Classification Sherloc (09022015). Collection method: clinical testing. Allele origin: germline.

Blueprint Genetics
Classification: Uncertain significance. Last evaluated: 2024-11-19. Review status: criteria provided, single submitter. Criteria: ACMG Guidelines, 2015. Collection method: clinical testing. Allele origin: germline.

Revvity Omics, Revvity
Classification: Uncertain significance. Last evaluated: 2019-09-06. Review status: criteria provided, single submitter. Criteria: ACMG Guidelines, 2015. Collection method: clinical testing. Allele origin: germline.

GeneDx
Classification: Likely benign. Last evaluated: 2018-03-05. Review status: criteria provided, single submitter. Criteria: GeneDx Variant Classification (06012015). Collection method: clinical testing. Allele origin: germline. Affected: yes.
Comment: This variant is considered likely benign or benign based on one or more of the following criteria: it is a conservative change, it occurs at a poorly conserved position in the protein, it is predicted to be benign by multiple in silico algorithms, and/or has population frequency not consistent with disease.

Illumina Laboratory Services, Illumina
Classification: Likely benign for FLNB-Related Spectrum Disorders. Last evaluated: 2018-01-13. Review status: criteria provided, single submitter. Criteria: ICSL Variant Classification Criteria 13 December 2019. Collection method: clinical testing. Allele origin: germline.
Comment: This variant was observed in the ICSL laboratory as part of a predisposition screen in an ostensibly healthy population. It had not been previously curated by ICSL or reported in the Human Gene Mutation Database (HGMD: prior to June 1st, 2018), and was therefore a candidate for classification through an automated scoring system. Utilizing variant allele frequency, disease prevalence and penetrance estimates, and inheritance mode, an automated score was calculated to assess if this variant is too frequent to cause the disease. Based on the score and internal cut-off values, a variant classified as likely benign is not then subjected to further curation. The score for this variant resulted in a classification of likely benign for this disease.

PreventionGenetics, part of Exact Sciences
Classification: Likely benign for FLNB-related condition. Last evaluated: 2022-04-12. Review status: no assertion criteria provided. Collection method: clinical testing. Allele origin: germline. Not counted in ClinVar's aggregate classification.
Comment: This variant is classified as likely benign based on ACMG/AMP sequence variant interpretation guidelines (Richards et al. 2015 PMID: 25741868, with internal and published modifications).

NM_001457.4(FLNB):c.2935G>A (p.Val979Met)

Gene: FLNB (filamin B; plus strand). Cytogenetic location: 3p14.3.
Variant type: single nucleotide variant.
Coding change: c.2935G>A on transcript NM_001457.4 (MANE Select); coding-DNA position 2935, G replaced by A.
Protein change: p.Val979Met; replaces valine 979 with methionine.
Molecular consequence: missense variant.
Genome position (GRCh38, 1-based): chr3:58,121,312, G>A. VCF-style: chr3-58121312-G-A. GRCh37 (hg19) VCF-style: chr3-58107039-G-A.
Other names: c.2935G>A, p.Val979Met (NM_001164317.2, NM_001164318.2, NM_001164319.2); short protein forms V979M.
Identifiers: ClinVar variation 346329 (VCV000346329.20), dbSNP rs376511120, ClinGen allele CA2468284.